The following is an entry in ClinVar:

NM_001083116.3(PRF1):c.858del (p.His286fs)

Gene: PRF1 (perforin 1; minus strand). Cytogenetic location: 10q22.1.
Variant type: Deletion.
Coding change: c.858del on transcript NM_001083116.3 (MANE Select); coding-DNA position 858, one base deleted (C; older notation c.858delC).
Protein change: p.His286fs; shifts the reading frame from histidine 286.
Molecular consequence: frameshift variant.
Genome position (GRCh38, 1-based): chr10:70,598,863, G deleted on the plus strand (C on the coding strand, the reverse complement: PRF1 is on the minus strand). VCF-style (leftmost placement, unchanged base first): chr10-70598862-TG-T. GRCh37 (hg19) VCF-style: chr10-72358618-TG-T.
Other names: c.858del, p.His286fs (NM_005041.6); short protein forms H286fs.
Identifiers: ClinVar variation 2111112 (VCV002111112.4), dbSNP rs2493484321, ClinGen allele CA2580081799.
Genomic context (GRCh38, chr10:70,598,862, plus strand): 5'-GGCCGCCAACCACTTCCGAGTGGCGCTCCCGGTAGGTTTGGTGGAAGGAGGCCGTCATCT[TG>T]TGCTTCTTCTTCTTCTCCTCACAGGCCTTGGCTTCGGCAGAGATGCTGCCGTGGATGCCT-3'

ClinVar aggregate classification (germline): Pathogenic (1 of 4 stars; one submission).

Conditions:
Familial hemophagocytic lymphohistiocytosis 2 (FHL2). Also called: PRF1-Related Familial Hemophagocytic Lymphohistiocytosis (PRF1-fHLH). Identifiers: Orphanet 540, MedGen C1863727, MONDO:0011337, OMIM 603553.

Submission:

Labcorp Genetics (formerly Invitae), Labcorp
Classification: Pathogenic for Familial hemophagocytic lymphohistiocytosis 2. Last evaluated: 2022-03-13. Review status: criteria provided, single submitter. Criteria: Invitae Variant Classification Sherloc (09022015). Collection method: clinical testing. Allele origin: germline.
Comment: For these reasons, this variant has been classified as Pathogenic. This variant disrupts a region of the PRF1 protein in which other variant(s) (p.Asp491Asn) have been determined to be pathogenic (PMID: 17477373, 25577959, 33746956). This suggests that this is a clinically significant region of the protein, and that variants that disrupt it are likely to be disease-causing. This variant has not been reported in the literature in individuals affected with PRF1-related conditions. This variant is not present in population databases (gnomAD no frequency). This sequence change creates a premature translational stop signal (p.His286Glnfs*3) in the PRF1 gene. While this is not anticipated to result in nonsense mediated decay, it is expected to disrupt the last 270 amino acid(s) of the PRF1 protein.

Literature cited by the submitters: PubMed 17477373; PubMed 25577959; PubMed 33746956.